The following is an entry in ClinVar:

ClinVar aggregate classification (germline): Conflicting classifications of pathogenicity. Review status: criteria provided, conflicting classifications (1 of 4 stars). 5 submissions from 5 submitters: Uncertain significance (3); Likely benign (1). 1 of the submissions does not count toward it. Last evaluated 2025-10-03.

Conditions:
Cardiomyopathy (CMYO). Also called: Cardiomyopathies. Identifiers: Orphanet 167848, MedGen C0878544, MONDO:0004994, HP:0001638. Inheritance: Various modes of inheritance.
Duchenne muscular dystrophy (DMD). Also called: MUSCULAR DYSTROPHY, PSEUDOHYPERTROPHIC PROGRESSIVE, DUCHENNE TYPE; Duchenne Muscular Dystrophy (DMD). Identifiers: Orphanet 98896, MedGen C0013264, MONDO:0010679, OMIM 310200.
Becker muscular dystrophy (BMD). Also called: MUSCULAR DYSTROPHY, PSEUDOHYPERTROPHIC PROGRESSIVE, BECKER TYPE; Becker Muscular Dystrophy (BMD). Identifiers: Orphanet 98895, MedGen C0917713, MONDO:0010311, OMIM 300376.
Dystrophin deficiency.
Dilated cardiomyopathy 3B (CMD3B). Also called: CMD3B: DMD-Related Dilated Cardiomyopathy; CARDIOMYOPATHY, DILATED, X-LINKED; DMD-Associated Dilated Cardiomyopathy. Identifiers: Orphanet 154, MedGen C3668940, MONDO:0010542, OMIM 302045.
Cardiovascular phenotype. Identifiers: MedGen CN230736.

Allele frequency attached by ClinVar (database versions not stated): gnomAD exomes below 0.00001 and 0.00002; ExAC 0.00001; TOPMed 0.00002; gnomAD 0.00005.

Submissions (5):

Ambry Genetics
Classification: Uncertain significance for Cardiovascular phenotype. Last evaluated: 2025-10-03. Review status: criteria provided, single submitter. Criteria: Ambry Variant Classification Scheme 2023. Collection method: clinical testing. Allele origin: germline.
Comment: The p.R2809H variant (also known as c.8426G>A), located in coding exon 57 of the DMD gene, results from a G to A substitution at nucleotide position 8426. The arginine at codon 2809 is replaced by histidine, an amino acid with highly similar properties. Based on data from gnomAD, the A allele has an overall frequency of <0.01% (4/200772) total alleles studied, with 2 hemizygote(s) observed. The highest observed frequency was <0.01% (1/18785) of African alleles. This amino acid position is highly conserved in available vertebrate species. In addition, the in silico prediction for this alteration is inconclusive. Since supporting evidence is limited at this time, the clinical significance of this alteration remains unclear.

Labcorp Genetics (formerly Invitae), Labcorp
Classification: Likely benign for Duchenne muscular dystrophy. Last evaluated: 2025-05-04. Review status: criteria provided, single submitter. Criteria: Invitae Variant Classification Sherloc (09022015). Collection method: clinical testing. Allele origin: germline.

New York Genome Center
Classification: Uncertain significance for Dilated cardiomyopathy 3B. Last evaluated: 2020-07-17. Review status: criteria provided, single submitter. Criteria: NYGC Assertion Criteria 2020. Collection method: clinical testing. Allele origin: inherited. Observed: 1 heterozygote. Study: CSER-NYCKidSeq.

Eurofins Ntd Llc (ga)
Classification: Uncertain significance. Last evaluated: 2018-05-18. Review status: criteria provided, single submitter. Criteria: EGL ClinVar v180209 classification definitions. Collection method: clinical testing. Allele origin: germline. Observed: 1 variant allele, 1 heterozygote.

Natera, Inc.
Classification: Uncertain significance for Becker muscular dystrophy; Cardiomyopathy; Duchenne muscular dystrophy; Dystrophin deficiency. Last evaluated: 2018-10-18. Review status: no assertion criteria provided. Collection method: clinical testing. Allele origin: germline. Not counted in ClinVar's aggregate classification.

NM_004006.3(DMD):c.8426G>A (p.Arg2809His)

Gene: DMD (dystrophin; minus strand). Cytogenetic location: Xp21.2.
Variant type: single nucleotide variant.
Coding change: c.8426G>A on transcript NM_004006.3 (MANE Select); coding-DNA position 8426, G replaced by A.
Protein change: p.Arg2809His; replaces arginine 2809 with histidine.
Molecular consequence: missense variant.
Genome position (GRCh38, 1-based): chrX:31,496,909, C>T on the plus strand (G>A on the coding strand, the complement: DMD is on the minus strand). VCF-style: chrX-31496909-C-T. GRCh37 (hg19) VCF-style: chrX-31515026-C-T.
Other names: c.8402G>A, p.Arg2801His (NM_000109.4); c.8414G>A, p.Arg2805His (NM_004009.3); c.8057G>A, p.Arg2686His (NM_004010.3); c.4403G>A, p.Arg1468His (NM_004011.4); c.4394G>A, p.Arg1465His (NM_004012.4); c.1046G>A, p.Arg349His (NM_004013.3, NM_004020.4, NM_004021.3 and 2 more transcripts); c.239G>A, p.Arg80His (NM_004014.3); short protein forms R2809H, R1465H, R80H, R2801H, R1468H, R2686H, R2805H, R349H.
Identifiers: ClinVar variation 597163 (VCV000597163.27), dbSNP rs778331600, ClinGen allele CA10378068.